The following is an entry in ClinVar:

ClinVar aggregate classification (germline): Uncertain significance (1 of 4 stars; one submission).

Conditions:
Cardiovascular phenotype. Identifiers: MedGen CN230736.

Submission:

Ambry Genetics
Classification: Uncertain significance for Cardiovascular phenotype. Last evaluated: 2023-01-16. Review status: criteria provided, single submitter. Criteria: Ambry Variant Classification Scheme 2023. Collection method: clinical testing. Allele origin: germline.
Comment: The p.G503S variant (also known as c.1507G>A), located in coding exon 9 of the LDB3 gene, results from a G to A substitution at nucleotide position 1507. The glycine at codon 503 is replaced by serine, an amino acid with similar properties. This amino acid position is conserved. In addition, this alteration is predicted to be tolerated by in silico analysis. Since supporting evidence is limited at this time, the clinical significance of this alteration remains unclear.

NM_007078.3(LDB3):c.1507G>A (p.Gly503Ser)

Gene: LDB3 (LIM domain binding 3; plus strand). Cytogenetic location: 10q23.2.
Variant type: single nucleotide variant.
Coding change: c.1507G>A on transcript NM_007078.3 (MANE Select); coding-DNA position 1507, G replaced by A.
Protein change: p.Gly503Ser; replaces glycine 503 with serine.
Molecular consequence: missense variant.
Genome position (GRCh38, 1-based): chr10:86,716,602, G>A. VCF-style: chr10-86716602-G-A. GRCh37 (hg19) VCF-style: chr10-88476359-G-A.
Other names: c.1177G>A, p.Gly393Ser (NM_001080114.2); c.1522G>A, p.Gly508Ser (NM_001171610.2); c.1318G>A, p.Gly440Ser (NM_001368064.1, NM_001368065.1); c.1366G>A, p.Gly456Ser (NM_001368066.1); short protein forms G503S, G393S, G508S, G440S, G456S.
Identifiers: ClinVar variation 2449068 (VCV002449068.2), dbSNP rs2492809883, ClinGen allele CA377451079.